The following is an entry in ClinVar:

ClinVar aggregate classification (germline): Uncertain significance. Review status: criteria provided, multiple submitters, no conflicts (2 of 4 stars). 4 submissions from 4 submitters: Uncertain significance (3). 1 of the submissions does not count toward it. Last evaluated 2025-01-17.

Conditions:
Usher syndrome type 1 (USH1). Also called: RETINITIS PIGMENTOSA AND CONGENITAL DEAFNESS. Identifiers: Orphanet 231169, Orphanet 886, MedGen C1568247, MONDO:0010168, OMIM 276900.

Allele frequency attached by ClinVar (database versions not stated): TOPMed 0.00002; ExAC 0.00003; gnomAD exomes 0.00003; gnomAD 0.00005.
gnomAD v4.1: 24 of 1,613,552 alleles (0.0015%); highest among the groups gnomAD compares: African/African-American, 0.017%; no homozygotes.

Submissions (4):

GeneDx
Classification: Uncertain significance. Last evaluated: 2025-01-17. Review status: criteria provided, single submitter. Criteria: GeneDx Variant Classification Process June 2021. Collection method: clinical testing. Allele origin: germline. Affected: yes.
Comment: In silico analysis indicates that this missense variant does not alter protein structure/function; Has not been previously published as pathogenic or benign to our knowledge

Labcorp Genetics (formerly Invitae), Labcorp
Classification: Uncertain significance. Last evaluated: 2022-07-26. Review status: criteria provided, single submitter. Criteria: Invitae Variant Classification Sherloc (09022015). Collection method: clinical testing. Allele origin: germline.
Comment: This sequence change replaces threonine, which is neutral and polar, with methionine, which is neutral and non-polar, at codon 1083 of the CDH23 protein (p.Thr1083Met). This variant is present in population databases (rs756165682, gnomAD 0.03%). This variant has not been reported in the literature in individuals affected with CDH23-related conditions. ClinVar contains an entry for this variant (Variation ID: 843647). Algorithms developed to predict the effect of missense changes on protein structure and function are either unavailable or do not agree on the potential impact of this missense change (SIFT: "Deleterious"; PolyPhen-2: "Not Available"; Align-GVGD: "Class C65"). In summary, the available evidence is currently insufficient to determine the role of this variant in disease. Therefore, it has been classified as a Variant of Uncertain Significance.

Blueprint Genetics
Classification: Uncertain significance. Last evaluated: 2018-11-28. Review status: criteria provided, single submitter. Criteria: ACMG Guidelines, 2015. Collection method: clinical testing. Allele origin: germline.

Natera, Inc.
Classification: Uncertain significance for Usher syndrome type 1. Last evaluated: 2020-03-17. Review status: no assertion criteria provided. Collection method: clinical testing. Allele origin: germline. Not counted in ClinVar's aggregate classification.

NM_022124.6(CDH23):c.3248C>T (p.Thr1083Met)

Genes: C10orf105 (chromosome 10 open reading frame 105; minus strand), CDH23 (cadherin related 23; plus strand). Cytogenetic location: 10q22.1.
Variant type: single nucleotide variant.
Coding change: c.3248C>T on transcript NM_022124.6 (MANE Select); coding-DNA position 3248, C replaced by T.
Protein change: p.Thr1083Met; replaces threonine 1083 with methionine.
Molecular consequence: missense variant. On other transcripts: 3 prime UTR variant (2).
Genome position (GRCh38, 1-based): chr10:71,712,692, C>T. VCF-style: chr10-71712692-C-T. GRCh37 (hg19) VCF-style: chr10-73472449-C-T.
Other names: c.*3244G>A (NM_001164375.3, NM_001168390.2); c.3248C>T, p.Thr1083Met (NM_001171930.2); short protein forms T1083M.
Identifiers: ClinVar variation 843647 (VCV000843647.8), dbSNP rs756165682, ClinGen allele CA5544535.